The following is an entry in ClinVar:

ClinVar aggregate classification (germline): Likely pathogenic (1 of 4 stars; one submission).

Conditions:
Hereditary cancer-predisposing syndrome. Also called: Neoplastic Syndromes, Hereditary; Tumor predisposition; Hereditary Cancer Syndrome; Hereditary neoplastic syndrome. Identifiers: Orphanet 140162, MedGen C0027672, MeSH D009386, MONDO:0015356.

Submission:

Ambry Genetics
Classification: Likely pathogenic for Hereditary cancer-predisposing syndrome. Last evaluated: 2026-01-08. Review status: criteria provided, single submitter. Criteria: Ambry Variant Classification Scheme 2023. Collection method: clinical testing. Allele origin: germline.
Comment: The p.Y179S variant (also known as c.536A>C), located in coding exon 7 of the MUTYH gene, results from an A to C substitution at nucleotide position 536. The tyrosine at codon 179 is replaced by serine, an amino acid with dissimilar properties. In a massively parallel cell-based functional assay testing 7,8-dihydro-8-oxoguanine:adenine (8OG:A) repair activity, a byproduct of oxidative damage, this variant was reported to be non-functional (Hemker SL et al. Am J Hum Genet. 2025 Sep;112(9):2010-2026).This amino acid position is highly conserved in available vertebrate species. This variant is considered to be rare based on population cohorts in the Genome Aggregation Database (gnomAD). In addition, this alteration is predicted to be deleterious by in silico analysis. Based on the majority of available evidence to date, this variant is likely to be pathogenic.

Literature cited by the submitters: PubMed 40738107.

NM_001048174.2(MUTYH):c.452A>C (p.Tyr151Ser)

Gene: MUTYH (mutY DNA glycosylase; minus strand). Cytogenetic location: 1p34.1.
Variant type: single nucleotide variant.
Coding change: c.452A>C on transcript NM_001048174.2 (MANE Select); coding-DNA position 452, A replaced by C.
Protein change: p.Tyr151Ser; replaces tyrosine 151 with serine.
Molecular consequence: missense variant. On other transcripts: non-coding transcript variant (7).
Genome position (GRCh38, 1-based): chr1:45,332,803, T>G on the plus strand (A>C on the coding strand, the complement: MUTYH is on the minus strand). VCF-style: chr1-45332803-T-G. GRCh37 (hg19) VCF-style: chr1-45798475-T-G.
Other names: c.452A>C, p.Tyr151Ser (NM_001407089.1, NM_001048171.2, NM_001048173.2 and 6 more transcripts); c.176A>C, p.Tyr59Ser (NM_001407091.1, NM_001293192.2, NM_001293196.2); c.455A>C, p.Tyr152Ser (NM_001048172.2, NM_001407071.1, NM_001407078.1 and 1 more transcripts); c.536A>C, p.Tyr179Ser (NM_001128425.2); c.497A>C, p.Tyr166Ser (NM_001293190.2); c.485A>C, p.Tyr162Ser (NM_001293191.2, NM_001407069.1, NM_001407077.1); c.107A>C, p.Tyr36Ser (NM_001350650.2, NM_001350651.2, NM_001407082.1); c.368A>C, p.Tyr123Ser (NM_001407075.1); and 5 more; short protein forms Y152S, Y176S, Y137S, Y166S, Y158S, Y165S, Y59S, Y123S.
Identifiers: ClinVar variation 4843754 (VCV004843754.1).